The following is an entry in ClinVar:

NM_020632.3(ATP6V0A4):c.16C>T (p.Arg6Ter)

Gene: ATP6V0A4 (ATPase H+ transporting V0 subunit a4; minus strand). Cytogenetic location: 7q34.
Variant type: single nucleotide variant.
Coding change: c.16C>T on transcript NM_020632.3 (MANE Select); coding-DNA position 16, C replaced by T.
Protein change: p.Arg6Ter; replaces arginine 6 with a stop codon.
Molecular consequence: nonsense.
Genome position (GRCh38, 1-based): chr7:138,771,232, G>A on the plus strand (C>T on the coding strand, the complement: ATP6V0A4 is on the minus strand). VCF-style: chr7-138771232-G-A. GRCh37 (hg19) VCF-style: chr7-138455977-G-A.
Other names: c.16C>T, p.Arg6Ter (NM_130840.3, NM_130841.3); short protein forms R6*.
Identifiers: ClinVar variation 1074132 (VCV001074132.15), dbSNP rs769417807, ClinGen allele CA4505275.

ClinVar aggregate classification (germline): Pathogenic. Review status: criteria provided, multiple submitters, no conflicts (2 of 4 stars). 7 submissions from 7 submitters: Pathogenic (7). Last evaluated 2026-02-18.

Conditions:
Renal tubular acidosis, distal, 3, with or without sensorineural hearing loss (DRTA3). Identifiers: MedGen C5399980, MONDO:0011268, OMIM 602722.
ATP6V0A4-related disorder. Also called: ATP6V0A4-related condition.
Renal tubulopathies.

Allele frequency attached by ClinVar (database versions not stated): TOPMed below 0.00001; ExAC 0.00001; gnomAD 0.00001; gnomAD exomes 0.00001.
gnomAD v4.1: 18 of 1,613,576 alleles (0.0011%); highest among the groups gnomAD compares: Middle Eastern, 0.016%; no homozygotes.

Submissions (7):

Kasturba Medical College, Manipal, Kasturba Medical College, Manipal, Manipal Academy of Higher Education, Manipal, India
Classification: Pathogenic for Renal tubular acidosis, distal, 3, with or without sensorineural hearing loss. Last evaluated: 2026-02-18. Review status: criteria provided, single submitter. Criteria: ACMG Guidelines, 2015. Collection method: research. Allele origin: unknown. Inheritance: Autosomal recessive inheritance. Affected: yes. Observed: 1 homozygote.
Comment: This variant is present in 18 individuals in heterozygous state (allele frequency:0.00001116) and is absent in homozygous state in the gnomAD (v4.1.0) population database. It is present in two individuals in heterozygous state and is absent in homozygous state in our in-house database of 3999 exomes. This variant is predicted to cause the introduction of a premature termination codon, which may either trigger nonsense-mediated mRNA decay (NMD) or result in a truncated protein product. The clinical features observed in the proband are in concordance with distal renal tubular acidosis.Thus, based on the molecular and clinical findings, the above-mentioned variant in a homozygous state is interpreted to be the cause for the condition observed in the proband.

Genetics Laboratory, Great Ormond Street Hospital NHS Foundation Trust, North Thames Genomic Laboratory Hub
Classification: Pathogenic for Renal tubulopathies. Last evaluated: 2026-01-09. Review status: criteria provided, single submitter. Criteria: ACGS Best Practice Guidelines for Variant Classification in Rare Disease 2024 v1.2. Collection method: clinical testing. Allele origin: germline. Affected: yes.
Comment: PM2_moderate, PVS1_very-strong, PM3_moderate

First Genomix Gene Laboratory, Genetic Diagnostics Department
Classification: Pathogenic for Renal tubular acidosis, distal, 3, with or without sensorineural hearing loss. Last evaluated: 2025-08-21. Review status: criteria provided, single submitter. Criteria: ACMG Guidelines, 2015. Collection method: clinical testing. Allele origin: germline. Inheritance: Autosomal recessive inheritance. Affected: no. Observed: 1 variant allele.

MVZ Medizinische Genetik Mainz
Classification: Pathogenic for Renal tubular acidosis, distal, 3, with or without sensorineural hearing loss. Last evaluated: 2025-02-11. Review status: criteria provided, single submitter. Criteria: UK Practice Guidelines For Variant Classification V4 01 2020. Collection method: clinical testing. Allele origin: germline. Inheritance: Autosomal recessive inheritance. Affected: yes. Observed: 1 variant allele.
Comment: ACMG Criteria: PVS1_STR,PP1_STR,PM3,PM2_SUP,PP4

Labcorp Genetics (formerly Invitae), Labcorp
Classification: Pathogenic. Last evaluated: 2025-01-12. Review status: criteria provided, single submitter. Criteria: Invitae Variant Classification Sherloc (09022015). Collection method: clinical testing. Allele origin: germline.
Comment: This sequence change creates a premature translational stop signal (p.Arg6*) in the ATP6V0A4 gene. It is expected to result in an absent or disrupted protein product. Loss-of-function variants in ATP6V0A4 are known to be pathogenic (PMID: 12414817, 16611712). This variant is present in population databases (rs769417807, gnomAD 0.003%). This premature translational stop signal has been observed in individual(s) with distal renal tubular acidosis (PMID: 16611712, 28188436). ClinVar contains an entry for this variant (Variation ID: 1074132). For these reasons, this variant has been classified as Pathogenic.

Blueprint Genetics
Classification: Pathogenic for ATP6V0A4-related disorders. Last evaluated: 2024-10-29. Review status: criteria provided, single submitter. Criteria: ACMG Guidelines, 2015. Collection method: clinical testing. Allele origin: germline. Affected: yes. Observed: 3 variant alleles.

Suma Genomics
Classification: Pathogenic for Renal tubular acidosis, distal, 3, with or without sensorineural hearing loss. Review status: criteria provided, single submitter. Criteria: ACMG Guidelines, 2015. Collection method: clinical testing. Allele origin: inherited. Inheritance: Autosomal recessive inheritance. Affected: yes.

Literature cited by the submitters: PubMed 28188436 (cited by Kasturba Medical College, Manipal, Kasturba Medical College, Manipal, Manipal Academy of Higher Education, Manipal, India and Labcorp Genetics (formerly Invitae), Labcorp); PubMed 12414817 (cited by Labcorp Genetics (formerly Invitae), Labcorp); PubMed 16611712 (cited by Labcorp Genetics (formerly Invitae), Labcorp).